The following is an entry in ClinVar:

NM_001372073.1(PDGFRL):c.81C>G (p.Asn27Lys)

Gene: PDGFRL (platelet derived growth factor receptor like; plus strand). Cytogenetic location: 8p22.
Variant type: single nucleotide variant.
Coding change: c.81C>G on transcript NM_001372073.1 (MANE Select); coding-DNA position 81, C replaced by G.
Protein change: p.Asn27Lys; replaces asparagine 27 with lysine.
Molecular consequence: missense variant.
Genome position (GRCh38, 1-based): chr8:17,589,493, C>G. VCF-style: chr8-17589493-C-G. GRCh37 (hg19) VCF-style: chr8-17447002-C-G.
Other names: c.81C>G, p.Asn27Lys (NM_006207.2); short protein forms N27K.
Identifiers: ClinVar variation 4881454 (VCV004881454.2).
Genomic context (GRCh38, chr8:17,589,493, plus strand): 5'-ACTACAGCGCATTTCTCTCTCCTTACGTTTTGCAGTTACTGGCCAACACCTTCCCAAGAA[C>G]AAGCGTCCAAAAGAACCAGGAGAGAATAGAATCAAACCTACCAACAAGAAGGTGAAGCCC-3'
Protein context (NP_001359002.1, residues 17-37): EDVTGQHLPK[Asn27Lys]KRPKEPGENR

ClinVar aggregate classification (germline): Uncertain significance (1 of 4 stars; one submission).

gnomAD v4.1: 6 of 1,613,384 alleles (0.00037%); highest among the groups gnomAD compares: Admixed American, 0.005%; no homozygotes.

Submission:

Dasa
Classification: Uncertain significance. Last evaluated: 2025-04-12. Review status: criteria provided, single submitter. Criteria: DASA Assertion Criteria. Collection method: clinical testing. Allele origin: germline.
Comment: NM_001372073.1(PDGFRL):c.81C>G (p.Asn27Lys) is a missense variant that results in the substitution of asparagine with lysine. This variant is rare in population databases. Computational prediction algorithms are consistent with a benign effect. The currently available literature and clinical evidence are not sufficient to establish a definitive association between this variant and the reported condition. Therefore, this variant is classified as a variant of uncertain significance.